The following is an entry in ClinVar:

ClinVar aggregate classification (germline): Pathogenic (1 of 4 stars; one submission).

Conditions:
Glycine encephalopathy. Also called: Nonketotic hyperglycinemia; Non-ketotic hyperglycinemia. Identifiers: Orphanet 407, MedGen C0751748, MONDO:0011612, HP:0008288.

Submission:

Labcorp Genetics (formerly Invitae), Labcorp
Classification: Pathogenic for Glycine encephalopathy. Last evaluated: 2023-02-22. Review status: criteria provided, single submitter. Criteria: Invitae Variant Classification Sherloc (09022015). Collection method: clinical testing. Allele origin: germline.
Comment: This sequence change creates a premature translational stop signal (p.Tyr993Trpfs*16) in the GLDC gene. While this is not anticipated to result in nonsense mediated decay, it is expected to disrupt the last 28 amino acid(s) of the GLDC protein. This variant is not present in population databases (gnomAD no frequency). This variant has not been reported in the literature in individuals affected with GLDC-related conditions. This variant disrupts a region of the GLDC protein in which other variant(s) (p.Gly994Arg) have been determined to be pathogenic (PMID: 26179960, 27362913, 28244183). This suggests that this is a clinically significant region of the protein, and that variants that disrupt it are likely to be disease-causing. For these reasons, this variant has been classified as Pathogenic.

Literature cited by the submitters: PubMed 26179960; PubMed 27362913; PubMed 28244183.

NM_000170.3(GLDC):c.2978_2979del (p.Tyr993fs)

Gene: GLDC (glycine decarboxylase; minus strand). Cytogenetic location: 9p24.1.
Variant type: Microsatellite.
Coding change: c.2978_2979del on transcript NM_000170.3 (MANE Select); coding-DNA positions 2978 to 2979, 2 bases deleted (AT; older notation c.2978_2979delAT).
Protein change: p.Tyr993fs; shifts the reading frame from tyrosine 993.
Molecular consequence: frameshift variant.
Genome position (GRCh38, 1-based): chr9:6,533,101-6,533,102, AT deleted on the plus strand (AT on the coding strand, the reverse complement: GLDC is on the minus strand); deleting any 2 consecutive bases within chr9:6,533,101-6,533,106 gives the same sequence; the c. name uses the placement nearest the transcript's 3' end. VCF-style (leftmost placement, unchanged base first): chr9-6533100-CAT-C. GRCh37 (hg19) VCF-style: chr9-6533100-CAT-C.
Other names: short protein forms Y993fs.
Identifiers: ClinVar variation 2839893 (VCV002839893.3), dbSNP rs2489006048, ClinGen allele CA2689354991.
Genomic context (GRCh38, chr9:6,533,100, plus strand): 5'-CAGAAAATGGAGACTCATAAACTTCCATGGGTGGGCAGGTACAAACCAGGTGCTGATCTC[CAT>C]ATATGTCATCAATCCGGGCAATCGTTGGCCAGAATTTGTTCTCTGGTTTCACGAAGGGCT-3'